The following is an entry in ClinVar:

NM_020866.3(KLHL1):c.91G>T (p.Gly31Cys)

Genes: ATXN8OS (ATXN8 opposite strand lncRNA; plus strand), KLHL1 (kelch like family member 1; minus strand). Cytogenetic location: 13q21.33.
Variant type: single nucleotide variant.
Coding change: c.91G>T on transcript NM_020866.3 (MANE Select); coding-DNA position 91, G replaced by T.
Protein change: p.Gly31Cys; replaces glycine 31 with cysteine.
Molecular consequence: missense variant. On other transcripts: non-coding transcript variant (2).
Genome position (GRCh38, 1-based): chr13:70,107,609, C>A on the plus strand (G>T on the coding strand, the complement: KLHL1 is on the minus strand). VCF-style: chr13-70107609-C-A. GRCh37 (hg19) VCF-style: chr13-70681741-C-A.
Other names: c.91G>T, p.Gly31Cys (NM_001286725.2); short protein forms G31C.
Identifiers: ClinVar variation 3052204 (VCV003052204.3), dbSNP rs145694020, ClinGen allele CA6999601.

ClinVar aggregate classification (germline): Uncertain significance. Review status: criteria provided, single submitter (1 of 4 stars). 2 submissions from 2 submitters: Uncertain significance (1). 1 of the submissions does not count toward it. Last evaluated 2025-08-29.

Conditions:
KLHL1-related disorder. Also called: KLHL1-related condition.

Allele frequency attached by ClinVar (database versions not stated): ExAC 0.00053; ESP Exome Variant Server 0.00131; 1000 Genomes Project 0.00240; 1000 Genomes Project 30x 0.00250.
gnomAD v4.1: 465 of 1,592,236 alleles (0.029%); highest among the groups gnomAD compares: African/African-American, 0.58%; 1 homozygote.

Submissions (2):

Ambry Genetics
Classification: Uncertain significance. Last evaluated: 2025-08-29. Review status: criteria provided, single submitter. Criteria: Ambry Variant Classification Scheme 2023. Collection method: clinical testing. Allele origin: germline.

PreventionGenetics, part of Exact Sciences
Classification: Likely benign for KLHL1-related condition. Last evaluated: 2023-05-22. Review status: no assertion criteria provided. Collection method: clinical testing. Allele origin: germline. Not counted in ClinVar's aggregate classification.
Comment: This variant is classified as likely benign based on ACMG/AMP sequence variant interpretation guidelines (Richards et al. 2015 PMID: 25741868, with internal and published modifications).